The following is an entry in ClinVar:

NM_007294.4(BRCA1):c.3354G>A (p.Gln1118=)

Genes: BRCA1 (BRCA1 DNA repair associated; minus strand), LOC126862571 (BRD4-independent group 4 enhancer GRCh37_chr17:41243136-41244335; plus strand). Cytogenetic location: 17q21.31.
Variant type: single nucleotide variant.
Coding change: c.3354G>A on transcript NM_007294.4 (MANE Select); coding-DNA position 3354, G replaced by A.
Protein change: p.Gln1118=; no amino-acid change (glutamine 1118 retained).
Molecular consequence: synonymous variant. On other transcripts: intron variant (137).
Genome position (GRCh38, 1-based): chr17:43,092,177, C>T on the plus strand (G>A on the coding strand, the complement: BRCA1 is on the minus strand). VCF-style: chr17-43092177-C-T. GRCh37 (hg19) VCF-style: chr17-41244194-C-T.
Other names: c.3090G>A, p.Gln1030= (NM_001407925.1, NM_001407926.1, NM_001407927.1 and 9 more transcripts); c.3087G>A, p.Gln1029= (NM_001407930.1, NM_001407931.1, NM_001407932.1 and 2 more transcripts); c.3231G>A, p.Gln1077= (NM_001407937.1, NM_001407938.1, NM_001407939.1 and 19 more transcripts); c.3228G>A, p.Gln1076= (NM_001407940.1, NM_001407941.1, NM_001407649.1 and 11 more transcripts); c.3213G>A, p.Gln1071= (NM_001407942.1, NM_001407944.1, NM_001407945.1 and 29 more transcripts); c.3210G>A, p.Gln1070= (NM_001407943.1, NM_001407964.1, NM_001407740.1 and 20 more transcripts); c.3021G>A, p.Gln1007= (NM_001407946.1, NM_001407947.1, NM_001407948.1 and 6 more transcripts); c.3018G>A, p.Gln1006= (NM_001407954.1, NM_001407955.1, NM_001407956.1 and 1 more transcripts); and 41 more.
Identifiers: ClinVar variation 629802 (VCV000629802.12), dbSNP rs80357334, ClinGen allele CA500232603.
Genomic context (GRCh38, chr17:43,092,177, plus strand): 5'-TCCCATAGGCTGTTCTAAGTTATCTGAAATCAGATATGGAGAGAAATCTGTATTAACAGT[C>T]TGAACTACTTCTTCATATTCTTGCTTTTTTATTTCAGGATGCTTACAATTACTTCCAGGA-3'
Protein context (NP_009225.1, residues 1108-1128): IKKQEYEEVV[Gln1118=]TVNTDFSPYL

ClinVar aggregate classification (germline): Likely benign. Review status: criteria provided, multiple submitters, no conflicts (2 of 4 stars). 3 submissions from 3 submitters: Likely benign (3). Last evaluated 2023-04-10.

Conditions:
Hereditary breast ovarian cancer syndrome. Also called: Hereditary breast and ovarian cancer syndrome (HBOC); Hereditary breast and ovarian cancer; BRCA1- and BRCA2-Associated Hereditary Breast and Ovarian Cancer; Breast and ovarian cancer; Hereditary breast and ovarian cancer syndrome; Hereditary breast and/or ovarian cancer syndrome. Identifiers: Orphanet 145, MedGen C0677776, MeSH D061325, MONDO:0003582. Disease mechanism: loss of function.
Breast-ovarian cancer, familial, susceptibility to, 1 (BROVCA1). Also called: OVARIAN CANCER, SUSCEPTIBILITY TO; BRCA1 Hereditary Breast and Ovarian Cancer. Identifiers: Orphanet 145, MedGen C2676676, MONDO:0011450, OMIM 604370. Disease mechanism: loss of function.
Hereditary cancer-predisposing syndrome. Also called: Hereditary neoplastic syndrome; Tumor predisposition; Hereditary Cancer Syndrome; Neoplastic Syndromes, Hereditary. Identifiers: Orphanet 140162, MedGen C0027672, MeSH D009386, MONDO:0015356.

Submissions (3):

All of Us Research Program, National Institutes of Health
Classification: Likely benign for Breast-ovarian cancer, familial, susceptibility to, 1. Last evaluated: 2023-04-10. Review status: criteria provided, single submitter. Criteria: ACMG Guidelines, 2015. Collection method: clinical testing. Allele origin: germline. Inheritance: Autosomal dominant inheritance. Observed: 1 variant allele, 1 heterozygote.
Comment: This study involves interpretation of variants in research participants for the purpose of population health screening. Participant phenotype was not available at the time of variant classification. Additional details can be found in publication PMID: 35346344, PMCID: PMC8962531

Labcorp Genetics (formerly Invitae), Labcorp
Classification: Likely benign for Hereditary breast ovarian cancer syndrome. Last evaluated: 2021-12-11. Review status: criteria provided, single submitter. Criteria: Invitae Variant Classification Sherloc (09022015). Collection method: clinical testing. Allele origin: germline.

Color Diagnostics, LLC DBA Color Health
Classification: Likely benign for Hereditary cancer-predisposing syndrome. Last evaluated: 2018-10-26. Review status: criteria provided, single submitter. Criteria: ACMG Guidelines, 2015. Collection method: clinical testing. Allele origin: germline.